The following is an entry in ClinVar:

NM_001018115.3(FANCD2):c.308_312del (p.Ser102_Tyr103insTer)

Genes: FANCD2 (FA complementation group D2; plus strand), LOC107303338 (3p25 FANCD2 Alu-mediated recombination region; plus strand). Cytogenetic location: 3p25.3.
Variant type: Deletion.
Coding change: c.308_312del on transcript NM_001018115.3 (MANE Select); coding-DNA positions 308 to 312, 5 bases deleted (ACATT; older notation c.308_312delACATT).
Protein change: p.Ser102_Tyr103insTer.
Molecular consequence: nonsense.
Genome position (GRCh38, 1-based): chr3:10,034,729-10,034,733, ACATT deleted; deleting any 5 consecutive bases within chr3:10,034,727-10,034,733 gives the same sequence; the c. name uses the placement nearest the transcript's 3' end. VCF-style (leftmost placement, unchanged base first): chr3-10034726-CTTACA-C. GRCh37 (hg19) VCF-style: chr3-10076410-CTTACA-C.
Other names: c.308_312del, p.Ser102_Tyr103insTer (NM_001374255.1, NM_033084.6, NM_001319984.2 and 2 more transcripts).
Identifiers: ClinVar variation 2777444 (VCV002777444.3), dbSNP rs2470719334, ClinGen allele CA2739278307.

ClinVar aggregate classification (germline): Pathogenic (1 of 4 stars; one submission).

Conditions:
Fanconi anemia (FA). Also called: Fanconi's anemia. Identifiers: Orphanet 84, MedGen C0015625, MeSH D005199, MONDO:0019391.

Submission:

Labcorp Genetics (formerly Invitae), Labcorp
Classification: Pathogenic for Fanconi anemia. Last evaluated: 2023-12-15. Review status: criteria provided, single submitter. Criteria: Invitae Variant Classification Sherloc (09022015). Collection method: clinical testing. Allele origin: germline.
Comment: This sequence change creates a premature translational stop signal (p.Tyr103*) in the FANCD2 gene. It is expected to result in an absent or disrupted protein product. Loss-of-function variants in FANCD2 are known to be pathogenic (PMID: 17436244). This variant is not present in population databases (gnomAD no frequency). This variant has not been reported in the literature in individuals affected with FANCD2-related conditions. Algorithms developed to predict the effect of sequence changes on RNA splicing suggest that this variant may disrupt the consensus splice site. For these reasons, this variant has been classified as Pathogenic.

Literature cited by the submitters: PubMed 17436244.